The following is an entry in ClinVar:

NM_001378778.1(MPDZ):c.2321C>G (p.Ala774Gly)

Gene: MPDZ (multiple PDZ domain crumbs cell polarity complex component; minus strand). Cytogenetic location: 9p23.
Variant type: single nucleotide variant.
Coding change: c.2321C>G on transcript NM_001378778.1 (MANE Select); coding-DNA position 2321, C replaced by G.
Protein change: p.Ala774Gly; replaces alanine 774 with glycine.
Molecular consequence: missense variant.
Genome position (GRCh38, 1-based): chr9:13,188,827, G>C on the plus strand (C>G on the coding strand, the complement: MPDZ is on the minus strand). VCF-style: chr9-13188827-G-C. GRCh37 (hg19) VCF-style: chr9-13188826-G-C.
Other names: c.2321C>G, p.Ala774Gly (NM_001261407.2, NM_001330637.2, NM_001375413.1 and 14 more transcripts); short protein forms A774G.
Identifiers: ClinVar variation 2112551 (VCV002112551.4), dbSNP rs2494061063, ClinGen allele CA372937303.

ClinVar aggregate classification (germline): Uncertain significance (1 of 4 stars; one submission).

Submission:

Labcorp Genetics (formerly Invitae), Labcorp
Classification: Uncertain significance. Last evaluated: 2025-05-05. Review status: criteria provided, single submitter. Criteria: Invitae Variant Classification Sherloc (09022015). Collection method: clinical testing. Allele origin: germline.
Comment: This sequence change replaces alanine, which is neutral and non-polar, with glycine, which is neutral and non-polar, at codon 774 of the MPDZ protein (p.Ala774Gly). This variant is not present in population databases (gnomAD no frequency). This variant has not been reported in the literature in individuals affected with MPDZ-related conditions. ClinVar contains an entry for this variant (Variation ID: 2112551). An algorithm developed to predict the effect of missense changes on protein structure and function (PolyPhen-2) suggests that this variant is likely to be disruptive. In summary, the available evidence is currently insufficient to determine the role of this variant in disease. Therefore, it has been classified as a Variant of Uncertain Significance.